The following is an entry in ClinVar:

NM_025081.3(NYNRIN):c.1664C>A (p.Ala555Asp)

Gene: NYNRIN (NYN domain and retroviral integrase containing; plus strand). Cytogenetic location: 14q12.
Variant type: single nucleotide variant.
Coding change: c.1664C>A on transcript NM_025081.3 (MANE Select); coding-DNA position 1664, C replaced by A.
Protein change: p.Ala555Asp; replaces alanine 555 with aspartic acid.
Molecular consequence: missense variant.
Genome position (GRCh38, 1-based): chr14:24,409,458, C>A. VCF-style: chr14-24409458-C-A. GRCh37 (hg19) VCF-style: chr14-24878664-C-A.
Other names: c.1664C>A (NM_025081.2); short protein forms A555D.
Identifiers: ClinVar variation 3602684 (VCV003602684.3).

ClinVar aggregate classification (germline): Uncertain significance. Review status: criteria provided, multiple submitters, no conflicts (2 of 4 stars). 3 submissions from 3 submitters: Uncertain significance (3). Last evaluated 2026-01-27.

Conditions:
Predisposition to Wilms tumor.

Submissions (3):

Labcorp Genetics (formerly Invitae), Labcorp
Classification: Uncertain significance. Last evaluated: 2026-01-27. Review status: criteria provided, single submitter. Criteria: Invitae Variant Classification Sherloc (09022015). Collection method: clinical testing. Allele origin: germline.
Comment: This sequence change replaces alanine, which is neutral and non-polar, with aspartic acid, which is acidic and polar, at codon 555 of the NYNRIN protein (p.Ala555Asp). This variant is present in population databases (rs756732851, gnomAD 0.007%). This variant has not been reported in the literature in individuals affected with NYNRIN-related conditions. ClinVar contains an entry for this variant (Variation ID: 3602684). Experimental studies and prediction algorithms are not available or were not evaluated, and the functional significance of this variant is currently unknown. In summary, the available evidence is currently insufficient to determine the role of this variant in disease. Therefore, it has been classified as a Variant of Uncertain Significance.

Ambry Genetics
Classification: Uncertain significance. Last evaluated: 2025-05-06. Review status: criteria provided, single submitter. Criteria: Ambry Variant Classification Scheme 2023. Collection method: clinical testing. Allele origin: germline.

St. Jude Molecular Pathology, St. Jude Children's Research Hospital
Classification: Uncertain significance for Predisposition to Wilms tumor. Last evaluated: 2025-02-05. Review status: criteria provided, single submitter. Criteria: St. Jude Assertion Criteria 2020. Collection method: clinical testing. Allele origin: germline.
Comment: The NYNRIN c.1664C>A (p.Ala555Asp) missense change has a maximum subpopulation frequency of 0.006% in gnomAD v2.1.1. The in silico tool REVEL predicts a benign effect on protein function, but this prediction has not been confirmed by functional studies. This variant has not been reported in individuals with Wilms tumor. In summary, the evidence currently available is insufficient to determine the clinical significance of this variant. It has therefore been classified as of uncertain significance.